The following is an entry in ClinVar:

ClinVar aggregate classification (germline): Uncertain significance (1 of 4 stars; one submission).

Conditions:
Autosomal dominant childhood-onset proximal spinal muscular atrophy with contractures (SMALED2A). Also called: SPINAL MUSCULAR ATROPHY, LOWER EXTREMITY-PREDOMINANT, 2A, CHILDHOOD ONSET, AUTOSOMAL DOMINANT; Spinal muscular atrophy, lower extremity-predominant, 2A, autosomal dominant. Identifiers: Orphanet 363447, Orphanet 363454, MedGen C4747715, MONDO:0014121, OMIM 615290.

Submission:

Labcorp Genetics (formerly Invitae), Labcorp
Classification: Uncertain significance for Autosomal dominant childhood-onset proximal spinal muscular atrophy with contractures. Last evaluated: 2022-02-20. Review status: criteria provided, single submitter. Criteria: Invitae Variant Classification Sherloc (09022015). Collection method: clinical testing. Allele origin: germline.
Comment: In summary, the available evidence is currently insufficient to determine the role of this variant in disease. Therefore, it has been classified as a Variant of Uncertain Significance. This variant is not present in population databases (gnomAD no frequency). Advanced modeling of protein sequence and biophysical properties (such as structural, functional, and spatial information, amino acid conservation, physicochemical variation, residue mobility, and thermodynamic stability) performed at Invitae indicates that this missense variant is not expected to disrupt BICD2 protein function. This variant has not been reported in the literature in individuals affected with BICD2-related conditions. This sequence change replaces glycine, which is neutral and non-polar, with valine, which is neutral and non-polar, at codon 514 of the BICD2 protein (p.Gly514Val).

NM_001003800.2(BICD2):c.1541G>T (p.Gly514Val)

Gene: BICD2 (BICD cargo adaptor 2; minus strand). Cytogenetic location: 9q22.31.
Variant type: single nucleotide variant.
Coding change: c.1541G>T on transcript NM_001003800.2 (MANE Select); coding-DNA position 1541, G replaced by T.
Protein change: p.Gly514Val; replaces glycine 514 with valine.
Molecular consequence: missense variant.
Genome position (GRCh38, 1-based): chr9:92,719,104, C>A on the plus strand (G>T on the coding strand, the complement: BICD2 is on the minus strand). VCF-style: chr9-92719104-C-A. GRCh37 (hg19) VCF-style: chr9-95481386-C-A.
Other names: c.1541G>T, p.Gly514Val (NM_015250.4); short protein forms G514V.
Identifiers: ClinVar variation 2100615 (VCV002100615.4), dbSNP rs2490445438, ClinGen allele CA374037403.